The following is an entry in ClinVar:

NM_001042492.3(NF1):c.4779C>A (p.Phe1593Leu)

Gene: NF1 (neurofibromin 1; plus strand). Cytogenetic location: 17q11.2.
Variant type: single nucleotide variant.
Coding change: c.4779C>A on transcript NM_001042492.3 (MANE Select); coding-DNA position 4779, C replaced by A.
Protein change: p.Phe1593Leu; replaces phenylalanine 1593 with leucine.
Molecular consequence: missense variant.
Genome position (GRCh38, 1-based): chr17:31,265,283, C>A. VCF-style: chr17-31265283-C-A. GRCh37 (hg19) VCF-style: chr17-29592301-C-A.
Other names: c.4716C>A, p.Phe1572Leu (NM_000267.4); short protein forms F1572L, F1593L.
Identifiers: ClinVar variation 1317162 (VCV001317162.7), dbSNP rs2151470179, ClinGen allele CA399001272.

ClinVar aggregate classification (germline): Conflicting classifications of pathogenicity. Review status: criteria provided, conflicting classifications (1 of 4 stars). 2 submissions from 2 submitters: Likely pathogenic (1); Uncertain significance (1). Last evaluated 2023-02-25.

Conditions:
Neurofibromatosis, type 1 (NF1). Also called: NEUROFIBROMATOSIS, TYPE I, SOMATIC; Peripheral type neurofibromatosis; Neurofibromatosis, type I; VON RECKLINGHAUSEN DISEASE. Identifiers: Orphanet 636, MedGen C0027831, MONDO:0018975, OMIM 162200. Disease mechanism: loss of function.

Submissions (2):

Labcorp Genetics (formerly Invitae), Labcorp
Classification: Likely pathogenic for Neurofibromatosis, type 1. Last evaluated: 2023-02-25. Review status: criteria provided, single submitter. Criteria: Invitae Variant Classification Sherloc (09022015). Collection method: clinical testing. Allele origin: germline.
Comment: In summary, the currently available evidence indicates that the variant is pathogenic, but additional data are needed to prove that conclusively. Therefore, this variant has been classified as Likely Pathogenic. This variant disrupts the p.Phe1572 amino acid residue in NF1. Other variant(s) that disrupt this residue have been determined to be pathogenic (PMID: 27322474). This suggests that this residue is clinically significant, and that variants that disrupt this residue are likely to be disease-causing. Advanced modeling of protein sequence and biophysical properties (such as structural, functional, and spatial information, amino acid conservation, physicochemical variation, residue mobility, and thermodynamic stability) performed at Invitae indicates that this missense variant is expected to disrupt NF1 protein function. ClinVar contains an entry for this variant (Variation ID: 1317162). This variant has not been reported in the literature in individuals affected with NF1-related conditions. This variant is not present in population databases (gnomAD no frequency). This sequence change replaces phenylalanine, which is neutral and non-polar, with leucine, which is neutral and non-polar, at codon 1572 of the NF1 protein (p.Phe1572Leu).

GeneDx
Classification: Uncertain significance. Last evaluated: 2022-05-30. Review status: criteria provided, single submitter. Criteria: GeneDx Variant Classification Process June 2021. Collection method: clinical testing. Allele origin: germline. Affected: yes.
Comment: Not observed at significant frequency in large population cohorts (gnomAD); In silico analysis supports that this missense variant has a deleterious effect on protein structure/function; Has not been previously published as pathogenic or benign to our knowledge

Literature cited by the submitters: PubMed 27322474 (cited by Labcorp Genetics (formerly Invitae), Labcorp).